The following is an entry in ClinVar:

NM_001162501.2(TNRC6B):c.2258_2260del (p.Val753del)

Gene: TNRC6B (trinucleotide repeat containing adaptor 6B; plus strand). Cytogenetic location: 22q13.1.
Variant type: Deletion.
Coding change: c.2258_2260del on transcript NM_001162501.2 (MANE Select); coding-DNA positions 2258 to 2260, 3 bases deleted (TCG; older notation c.2258_2260delTCG).
Protein change: p.Val753del; deletes valine 753.
Molecular consequence: inframe deletion. On other transcripts: intron variant (1).
Genome position (GRCh38, 1-based): chr22:40,266,488-40,266,490, TCG deleted; deleting any 3 consecutive bases within chr22:40,266,487-40,266,490 gives the same sequence; the c. name uses the placement nearest the transcript's 3' end. VCF-style (leftmost placement, unchanged base first): chr22-40266486-AGTC-A. GRCh37 (hg19) VCF-style: chr22-40662490-AGTC-A.
Other names: c.2258_2260del, p.Val753del (NM_015088.3); c.566-3634_566-3632del (NM_001024843.2); short protein forms V753del.
Identifiers: ClinVar variation 2636472 (VCV002636472.1), dbSNP rs1392781734, ClinGen allele CA639824522.
Genomic context (GRCh38, chr22:40,266,486, plus strand): 5'-GGGAGGTGGACGCCAGCCCAATCAAGGATGGTCTTCTGGAAAGAATGGTTGGGGGGAGGA[AGTC>A]GATCAGACAAAAAACAGCAATTGGGAAAGTTCTGCAAGTAAACCTGTGTCTGGGTGGGGT-3'

ClinVar aggregate classification (germline): Uncertain significance (1 of 4 stars; one submission).

Conditions:
TNRC6B-related disorder. Also called: TNRC6B-related condition.

Submission:

PreventionGenetics, part of Exact Sciences
Classification: Uncertain significance for TNRC6B-related condition. Last evaluated: 2022-08-18. Review status: criteria provided, single submitter. Criteria: ACMG Guidelines, 2015. Collection method: clinical testing. Allele origin: germline.
Comment: The TNRC6B c.2258_2260delTCG variant is predicted to result in an in-frame deletion (p.Val753del). To our knowledge, this variant has not been reported in the literature. This variant is reported in 0.0041% of alleles in individuals of African descent in gnomAD. At this time, the clinical significance of this variant is uncertain due to the absence of conclusive functional and genetic evidence.